The following is an entry in ClinVar:

ClinVar aggregate classification (germline): Uncertain significance (1 of 4 stars; one submission).

Allele frequency attached by ClinVar (database versions not stated): gnomAD exomes below 0.00001.
gnomAD v4.1: 2 of 1,603,556 alleles (0.00012%); highest among the groups gnomAD compares: East Asian, 0.0022%; no homozygotes.

Submission:

Ambry Genetics
Classification: Uncertain significance. Last evaluated: 2023-05-15. Review status: criteria provided, single submitter. Criteria: Ambry Variant Classification Scheme 2023. Collection method: clinical testing. Allele origin: germline.
Comment: The p.P922S variant (also known as c.2764C>T), located in coding exon 16 of the PKP4 gene, results from a C to T substitution at nucleotide position 2764. The proline at codon 922 is replaced by serine, an amino acid with similar properties. This amino acid position is conserved. In addition, the in silico prediction for this alteration is inconclusive. Since supporting evidence is limited at this time, the clinical significance of this alteration remains unclear.

NM_003628.6(PKP4):c.2764C>T (p.Pro922Ser)

Genes: PKP4 (plakophilin 4; plus strand), PKP4-AS1 (PKP4 antisense RNA 1; minus strand). Cytogenetic location: 2q24.1.
Variant type: single nucleotide variant.
Coding change: c.2764C>T on transcript NM_003628.6 (MANE Select); coding-DNA position 2764, C replaced by T.
Protein change: p.Pro922Ser; replaces proline 922 with serine.
Molecular consequence: missense variant.
Genome position (GRCh38, 1-based): chr2:158,669,755, C>T. VCF-style: chr2-158669755-C-T. GRCh37 (hg19) VCF-style: chr2-159526267-C-T.
Other names: c.2764C>T, p.Pro922Ser (NM_001005476.4, NM_001377218.1, NM_001377225.1); c.2761C>T, p.Pro921Ser (NM_001304969.3, NM_001377219.1, NM_001377220.1 and 2 more transcripts); c.1735C>T, p.Pro579Ser (NM_001304970.3); c.2758C>T, p.Pro920Ser (NM_001377222.1, NM_001377223.1); c.2755C>T, p.Pro919Ser (NM_001377224.1); short protein forms P579S, P921S, P919S, P920S, P922S.
Identifiers: ClinVar variation 2560404 (VCV002560404.2), dbSNP rs2529857502, ClinGen allele CA348905164.